The following is an entry in ClinVar:

NM_001170629.2(CHD8):c.6149C>G (p.Thr2050Ser)

Gene: CHD8 (chromodomain helicase DNA binding protein 8; minus strand). Cytogenetic location: 14q11.2.
Variant type: single nucleotide variant.
Coding change: c.6149C>G on transcript NM_001170629.2 (MANE Select); coding-DNA position 6149, C replaced by G.
Protein change: p.Thr2050Ser; replaces threonine 2050 with serine.
Molecular consequence: missense variant.
Genome position (GRCh38, 1-based): chr14:21,393,646, G>C on the plus strand (C>G on the coding strand, the complement: CHD8 is on the minus strand). VCF-style: chr14-21393646-G-C. GRCh37 (hg19) VCF-style: chr14-21861805-G-C.
Other names: c.5312C>G, p.Thr1771Ser (NM_020920.4); short protein forms T1771S, T2050S.
Identifiers: ClinVar variation 1305204 (VCV001305204.2), dbSNP rs2139447069, ClinGen allele CA388880306.

ClinVar aggregate classification (germline): Uncertain significance (1 of 4 stars; one submission).

Allele frequency attached by ClinVar (database versions not stated): gnomAD exomes below 0.00001.
gnomAD v4.1: 2 of 1,614,004 alleles (0.00012%); highest among the groups gnomAD compares: Non-Finnish European, 0.00017%; no homozygotes.

Submission:

GeneDx
Classification: Uncertain significance. Last evaluated: 2019-05-16. Review status: criteria provided, single submitter. Criteria: GeneDx Variant Classification Process June 2021. Collection method: clinical testing. Allele origin: germline. Affected: yes.
Comment: Not observed in large population cohorts (Lek et al., 2016); In silico analysis, which includes protein predictors and evolutionary conservation, supports that this variant does not alter protein structure/function; Has not been previously published as pathogenic or benign to our knowledge